The following is an entry in ClinVar:

NM_021098.3(CACNA1H):c.6257C>A (p.Pro2086Gln)

Gene: CACNA1H (calcium voltage-gated channel subunit alpha1 H; plus strand). Cytogenetic location: 16p13.3.
Variant type: single nucleotide variant.
Coding change: c.6257C>A on transcript NM_021098.3 (MANE Select); coding-DNA position 6257, C replaced by A.
Protein change: p.Pro2086Gln; replaces proline 2086 with glutamine.
Molecular consequence: missense variant.
Genome position (GRCh38, 1-based): chr16:1,220,189, C>A. VCF-style: chr16-1220189-C-A. GRCh37 (hg19) VCF-style: chr16-1270189-C-A.
Other names: c.6239C>A, p.Pro2080Gln (NM_001005407.2); short protein forms P2080Q, P2086Q.
Identifiers: ClinVar variation 3762489 (VCV003762489.2).
Genomic context (GRCh38, chr16:1,220,189, plus strand): 5'-GCGTCCGCACTCGTAAGCATACCTTCGGACAGCGCTGCGTCTCCAGCCGGCCGGCGGCCC[C>A]AGGCGGAGAGGAGGCCGAGGCCTCGGACCCAGCCGACGAGGAGGTCAGCCACATCACCAG-3'
Protein context (NP_066921.2, residues 2076-2096): QRCVSSRPAA[Pro2086Gln]GGEEAEASDP

ClinVar aggregate classification (germline): Uncertain significance (1 of 4 stars; one submission).

Conditions:
Idiopathic generalized epilepsy. Also called: EIG; Generalised epilepsy. Identifiers: MedGen C0270850, MONDO:0005579, OMIM 600669.
Hyperaldosteronism, familial, type IV (HALD4). Also called: FH IV; ALDOSTERONISM, PRIMARY, AND HYPERTENSION. Identifiers: Orphanet 642671, MedGen C4310756, MONDO:0014875, OMIM 617027.

Submission:

Labcorp Genetics (formerly Invitae), Labcorp
Classification: Uncertain significance for Idiopathic generalized epilepsy; Hyperaldosteronism, familial, type IV. Last evaluated: 2024-01-24. Review status: criteria provided, single submitter. Criteria: Invitae Variant Classification Sherloc (09022015). Collection method: clinical testing. Allele origin: germline.
Comment: This sequence change replaces proline, which is neutral and non-polar, with glutamine, which is neutral and polar, at codon 2086 of the CACNA1H protein (p.Pro2086Gln). This variant is not present in population databases (gnomAD no frequency). This variant has not been reported in the literature in individuals affected with CACNA1H-related conditions. Advanced modeling of protein sequence and biophysical properties (such as structural, functional, and spatial information, amino acid conservation, physicochemical variation, residue mobility, and thermodynamic stability) performed at Invitae indicates that this missense variant is not expected to disrupt CACNA1H protein function with a negative predictive value of 80%. In summary, the available evidence is currently insufficient to determine the role of this variant in disease. Therefore, it has been classified as a Variant of Uncertain Significance.